The following is an entry in ClinVar:

NM_000256.3(MYBPC3):c.3103del (p.Ala1035fs)

Gene: MYBPC3 (myosin binding protein C3; minus strand). Cytogenetic location: 11p11.2.
Variant type: Deletion.
Coding change: c.3103del on transcript NM_000256.3 (MANE Select); coding-DNA position 3103, one base deleted (G; older notation c.3103delG).
Protein change: p.Ala1035fs; shifts the reading frame from alanine 1035.
Molecular consequence: frameshift variant.
Genome position (GRCh38, 1-based): chr11:47,333,644, C deleted on the plus strand (G on the coding strand, the reverse complement: MYBPC3 is on the minus strand). VCF-style (leftmost placement, unchanged base first): chr11-47333643-GC-G. GRCh37 (hg19) VCF-style: chr11-47355194-GC-G.
Other names: short protein forms A1035fs.
Identifiers: ClinVar variation 4856625 (VCV004856625.1).

ClinVar aggregate classification (germline): Pathogenic (1 of 4 stars; one submission).

Conditions:
Hypertrophic cardiomyopathy 4. Also called: Familial hypertrophic cardiomyopathy 4. Identifiers: MedGen C1861862, MONDO:0007268, OMIM 115197.

Submission:

Molecular Genetics Laboratory, Motol Hospital
Classification: Pathogenic for Hypertrophic cardiomyopathy 4. Last evaluated: 2026-06-04. Review status: criteria provided, single submitter. Criteria: ACMG Guidelines, 2015. Collection method: clinical testing. Allele origin: germline. Affected: yes. Observed: 1 variant allele.
Comment: A rare variant not present in non-Finnish European population (PM2). Rare truncating variants in the MYBPC3 gene are associated with autosomal dominant familial hypertrophic cardiomyopathy (PVS1). The variant is classified as pathogenic.

Literature cited by the submitters: PubMed 31877118; PubMed 37445689; PubMed 11499719.